The following is an entry in ClinVar:

ClinVar aggregate classification (germline): Uncertain significance (1 of 4 stars; one submission).

Allele frequency attached by ClinVar (database versions not stated): gnomAD exomes below 0.00001; ExAC 0.00001.
gnomAD v4.1: 2 of 1,613,970 alleles (0.00012%); highest among the groups gnomAD compares: Admixed American, 0.0017%; no homozygotes.

Submission:

Labcorp Genetics (formerly Invitae), Labcorp
Classification: Uncertain significance. Last evaluated: 2022-02-06. Review status: criteria provided, single submitter. Criteria: Invitae Variant Classification Sherloc (09022015). Collection method: clinical testing. Allele origin: germline.
Comment: In summary, the available evidence is currently insufficient to determine the role of this variant in disease. Therefore, it has been classified as a Variant of Uncertain Significance. This sequence change replaces cysteine, which is neutral and slightly polar, with tyrosine, which is neutral and polar, at codon 1072 of the ELP1 protein (p.Cys1072Tyr). This variant is present in population databases (rs753041406, gnomAD 0.003%). This variant has not been reported in the literature in individuals affected with ELP1-related conditions. Algorithms developed to predict the effect of missense changes on protein structure and function output the following: SIFT: "Tolerated"; PolyPhen-2: "Benign"; Align-GVGD: "Class C0". The tyrosine amino acid residue is found in multiple mammalian species, which suggests that this missense change does not adversely affect protein function.

NM_003640.5(ELP1):c.3215G>A (p.Cys1072Tyr)

Gene: ELP1 (elongator acetyltransferase complex subunit 1; minus strand). Cytogenetic location: 9q31.3.
Variant type: single nucleotide variant.
Coding change: c.3215G>A on transcript NM_003640.5 (MANE Select); coding-DNA position 3215, G replaced by A.
Protein change: p.Cys1072Tyr; replaces cysteine 1072 with tyrosine.
Molecular consequence: missense variant.
Genome position (GRCh38, 1-based): chr9:108,889,339, C>T on the plus strand (G>A on the coding strand, the complement: ELP1 is on the minus strand). VCF-style: chr9-108889339-C-T. GRCh37 (hg19) VCF-style: chr9-111651619-C-T.
Other names: c.2873G>A, p.Cys958Tyr (NM_001318360.2); c.2168G>A, p.Cys723Tyr (NM_001330749.2); short protein forms C723Y, C1072Y, C958Y.
Identifiers: ClinVar variation 1916972 (VCV001916972.5), dbSNP rs753041406, ClinGen allele CA5174386.